The following is an entry in ClinVar:

NM_002834.5(PTPN11):c.174C>A (p.Asn58Lys)

Gene: PTPN11 (protein tyrosine phosphatase non-receptor type 11; plus strand). Cytogenetic location: 12q24.13.
Variant type: single nucleotide variant.
Coding change: c.174C>A on transcript NM_002834.5 (MANE Select); coding-DNA position 174, C replaced by A.
Protein change: p.Asn58Lys; replaces asparagine 58 with lysine.
Molecular consequence: missense variant.
Genome position (GRCh38, 1-based): chr12:112,450,354, C>A. VCF-style: chr12-112450354-C-A. GRCh37 (hg19) VCF-style: chr12-112888158-C-A.
Other names: p.N58K:AAC>AAA; c.174C>A, p.Asn58Lys (NM_001330437.2, NM_080601.3); c.171C>A, p.Asn57Lys (NM_001374625.1); short protein forms N58K, N57K.
Identifiers: ClinVar variation 40488 (VCV000040488.27), dbSNP rs397507506, ClinGen allele CA235313.
Genomic context (GRCh38, chr12:112,450,354, plus strand): 5'-TCCCTTTCCAATGGACTATTTTAGAAGAAATGGAGCTGTCACCCACATCAAGATTCAGAA[C>A]ACTGGTGATTACTATGACCTGTATGGAGGGGAGAAATTTGCCACTTTGGCTGAGTTGGTC-3'
Protein context (NP_002825.3, residues 48-68): NGAVTHIKIQ[Asn58Lys]TGDYYDLYGG

ClinVar aggregate classification (germline): Pathogenic. Review status: criteria provided, multiple submitters, no conflicts (2 of 4 stars). 10 submissions from 10 submitters: Pathogenic (9). 1 of the submissions does not count toward it. Last evaluated 2025-12-03.

Conditions:
PTPN11-related disorder. Also called: PTPN11-Related Disorders.
Noonan syndrome and Noonan-related syndrome. Identifiers: Orphanet 98733, MedGen C5681679, MONDO:0020297.
Noonan syndrome 1 (NS1). Also called: FEMALE PSEUDO-TURNER SYNDROME; TURNER PHENOTYPE WITH NORMAL KARYOTYPE; PTPN11-Related Noonan Syndrome. Identifiers: Orphanet 648, MedGen C4551602, MONDO:0008104, OMIM 163950. Disease mechanism: gain of function.
LEOPARD syndrome 1 (LPRD1). Also called: LENTIGINOSIS, CARDIOMYOPATHIC; MULTIPLE LENTIGINES SYNDROME; PTPN11-Related LEOPARD Syndrome. Identifiers: Orphanet 500, MedGen C4551484, MONDO:0100082, OMIM 151100.
Juvenile myelomonocytic leukemia (JMML). Also called: LEUKEMIA, JUVENILE MYELOMONOCYTIC, SOMATIC. Identifiers: Orphanet 86834, MedGen C0349639, MONDO:0011908, OMIM 607785, HP:0012209.
Metachondromatosis (METCDS). Identifiers: Orphanet 2499, MedGen C0410530, MONDO:0007979, OMIM 156250.
RASopathy. Also called: rasopathies; Noonan spectrum disorder. Identifiers: Orphanet 536391, MedGen C5555857, MONDO:0021060.
Noonan syndrome (NS). Also called: Noonan's syndrome. Identifiers: Orphanet 648, MedGen C0028326, MeSH D009634, MONDO:0018997. Disease mechanism: gain of function.
Noonan syndrome 3 (NS3). Also called: KRAS-Related Noonan Syndrome. Identifiers: Orphanet 648, MedGen C1860991, MONDO:0012371, OMIM 609942.

Submissions (10):

Labcorp Genetics (formerly Invitae), Labcorp
Classification: Pathogenic for RASopathy. Last evaluated: 2025-12-03. Review status: criteria provided, single submitter. Criteria: Invitae Variant Classification Sherloc (09022015). Collection method: clinical testing. Allele origin: germline.
Comment: This sequence change replaces asparagine, which is neutral and polar, with lysine, which is basic and polar, at codon 58 of the PTPN11 protein (p.Asn58Lys). This variant is not present in population databases (gnomAD no frequency). A different variant (c.174C>G) giving rise to the same protein effect has been determined to be pathogenic (PMID: 12634870, 15001945, 15956085, 16263833, 16358218, 19125092, 20954246, 21204800, 22190897, 23321623, 23624134, 23756559, 25914815). This suggests that this variant is also likely to be causative of disease. ClinVar contains an entry for this variant (Variation ID: 40488). Invitae Evidence Modeling of protein sequence and biophysical properties (such as structural, functional, and spatial information, amino acid conservation, physicochemical variation, residue mobility, and thermodynamic stability) indicates that this missense variant is expected to disrupt PTPN11 protein function with a positive predictive value of 95%. This variant disrupts the p.Asn58 amino acid residue in PTPN11. Other variant(s) that disrupt this residue have been determined to be pathogenic (PMID: 12634870, 15001945, 15956085, 16263833, 16358218, 19125092, 20954246, 21204800, 22190897, 23321623, 23624134, 23756559, 25914815). This suggests that this residue is clinically significant, and that variants that disrupt this residue are likely to be disease-causing. For these reasons, this variant has been classified as Pathogenic.

GeneDx
Classification: Pathogenic. Last evaluated: 2023-06-24. Review status: criteria provided, single submitter. Criteria: GeneDx Variant Classification Process June 2021. Collection method: clinical testing. Allele origin: germline. Affected: yes.
Comment: In silico analysis supports that this missense variant has a deleterious effect on protein structure/function; Missense variants in this gene are often considered pathogenic (HGMD); Multiple pathogenic missense variants at this residue (p.N58D, p.N58Y, p.N58H) have been reported in association with Noonan spectrum disorders; Not observed at significant frequency in large population cohorts (gnomAD); This variant is associated with the following publications: (PMID: 34184824, 26633542, 29212898, 28911804, 30050098, 29907801, 11992261, 9491886, 16053901, 29493581, 34782754)

Institute for Genomic Medicine (IGM) Clinical Laboratory, Nationwide Children's Hospital
Classification: Pathogenic for Noonan syndrome 1. Last evaluated: 2022-10-03. Review status: criteria provided, single submitter. Criteria: ACMG Guidelines, 2015. Collection method: clinical testing. Allele origin: germline.
Comment: A different nucleotide change resulting in the same amino acid substitution has been reported as pathogenic (ACMG/AMP: PS1; PMIDs:15928039, 12634870, 16358218, 23321623, 25914815, 22190897, 20954246). This variant has been reported at an elevated frequency in affected individuals/in multiple affected individuals in the literature (ACMG/AMP: PS4_Supporting; PMIDs:15928039, 12634870, 16358218, 23321623, 25914815, 22190897, 20954246). This variant is located in a mutational hot spot and/or critical and well-established functional domain (ACMG/AMP: PM1; PMIDs:9491886, 16053901, 11992261). This variant is absent from or present at an exceedingly low frequency in gnomAD, a large-scale control population database (ACMG/AMP: PM2). This variant has been reported to occur de novo in an affected individual in the literature without parental identity confirmed (ACMG/AMP: PM6). This variant occurs in a gene with a low rate of benign missense variation, in which missense alterations are a common mechanism of disease (ACMG/AMP: PP2).

Laboratory for Molecular Medicine, Mass General Brigham Personalized Medicine
Classification: Pathogenic for Noonan syndrome. Last evaluated: 2021-04-28. Review status: criteria provided, single submitter. Criteria: ACMG Guidelines, 2015. Collection method: clinical testing. Allele origin: germline. Inheritance: Autosomal dominant inheritance.
Comment: The p.Asn58Lys (c.174C>A) variant in PTPN11 has been reported in at least six individuals with Noonan syndrome and segregated with disease in one affected family member (Chan 2006, Miller 2017 PMID: 29212898, Sublett 2017 PMID: 28911804, D'Amico 2021 PMID: 33811550, LMM data). It has also been reported in one individual with multiple congenital anomalies (Retterer 2015 PMID:26633542). It was absent from large population studies, but has been reported in ClinVar (Variation ID 40488). Another variant resulting in the same amino acid change (c.174C>G) and two additional variants involving this codon (p.Asn58Asp and p.Asn58His) have been identified in individuals with Noonan syndrome and are classified as pathogenic by this laboratory. In summary, this variant meets criteria to be classified as pathogenic for autosomal dominant Noonan syndrome. ACMG/AMP Criteria applied: PS1, PS4, PM5_Strong, PM2_Supporting.

Blueprint Genetics
Classification: Pathogenic for PTPN11-related disorders. Last evaluated: 2021-03-23. Review status: criteria provided, single submitter. Criteria: ACMG Guidelines, 2015. Collection method: clinical testing. Allele origin: germline. Affected: yes. Observed: 2 variant alleles.

Genome Diagnostics Laboratory, The Hospital for Sick Children
Classification: Pathogenic for Noonan syndrome and Noonan-related syndrome. Last evaluated: 2018-10-01. Review status: criteria provided, single submitter. Criteria: ACMG Guidelines, 2015. Collection method: clinical testing. Allele origin: germline. Affected: yes.

Women's Health and Genetics/Laboratory Corporation of America, LabCorp
Classification: Pathogenic for Noonan syndrome 3. Last evaluated: 2016-01-25. Review status: criteria provided, single submitter. Criteria: LabCorp Variant Classification Summary - May 2015. Collection method: clinical testing. Allele origin: germline.
Comment: Variant summary: Variant affects a non-conserved nucleotide and results in a replacement of a medium size and polar Asparagine (N) with a large size and basic Lysine (K). 4/4 in silico tools predict the variant to be disease causing. It is absent from the large and broad cohorts of the ExAC project while it was found in several NS patients either as a de novo or as a familiar mutation suggesting pathogenicity. Variants affecting the same amino acid, Asn58His and Asn58Asp, Asn58Tyr have been reported by our laboratory in the pathogenic spectrum suggesting the Asn58 residue to be a mutational hotspot and further supporting a casual outcome for the variant. Furthermore, clinical diagnostic centers classify variant as Pathogenic via ClinVar (without evidence to independently evaluate). Considering all evidence, the variant was classified as Pathogenic.

Equipe Genetique des Anomalies du Developpement, Université de Bourgogne
Classification: Pathogenic for Noonan syndrome 1. Review status: criteria provided, single submitter. Criteria: ACMG Guidelines, 2015. Collection method: clinical testing. Allele origin: de novo. Affected: yes.

Juno Genomics, Hangzhou Juno Genomics, Inc
Classification: Pathogenic for LEOPARD syndrome 1; Juvenile myelomonocytic leukemia; Metachondromatosis; Noonan syndrome 1. Review status: criteria provided, single submitter. Criteria: ACMG Guidelines, 2015. Collection method: clinical testing. Allele origin: germline. Affected: yes.
Comment: Absent from controls (or at extremely low frequency if recessive) in Genome Aggregation Database, Exome Sequencing Project, 1000 Genomes Project, or Exome Aggregation Consortium.;Same amino acid change as a previously established pathogenic variant regardless of nucleotide change.;Novel missense change at an amino acid residue where a different missense change determined to be pathogenic has been seen before.;The prevalence of the variant in affected individuals is significantly increased compared to the prevalence in controls.;Missense variant in a gene that has a low rate of benign missense variation and where missense variants are a common mechanism of disease.

Greenwood Genetic Center Diagnostic Laboratories, Greenwood Genetic Center
Classification: Pathogenic. Last evaluated: 2015-01-15. Review status: no assertion criteria provided. Collection method: clinical testing. Allele origin: germline. Not counted in ClinVar's aggregate classification.

Literature cited by the submitters: PubMed 12634870 (cited by 4 submitters); PubMed 15001945 (cited by Labcorp Genetics (formerly Invitae), Labcorp); PubMed 15956085 (cited by Labcorp Genetics (formerly Invitae), Labcorp); PubMed 16263833 (cited by Labcorp Genetics (formerly Invitae), Labcorp); PubMed 16358218 (cited by 4 submitters); PubMed 19125092 (cited by Labcorp Genetics (formerly Invitae), Labcorp); PubMed 20954246 (cited by 3 submitters); PubMed 21204800 (cited by Labcorp Genetics (formerly Invitae), Labcorp); PubMed 22190897 (cited by 3 submitters); PubMed 23321623 (cited by 4 submitters); PubMed 23624134 (cited by Labcorp Genetics (formerly Invitae), Labcorp); PubMed 23756559 (cited by Labcorp Genetics (formerly Invitae), Labcorp); PubMed 25914815 (cited by 3 submitters); PubMed 15928039 (cited by Institute for Genomic Medicine (IGM) Clinical Laboratory, Nationwide Children's Hospital and Laboratory for Molecular Medicine, Mass General Brigham Personalized Medicine); PubMed 9491886 (cited by Institute for Genomic Medicine (IGM) Clinical Laboratory, Nationwide Children's Hospital); PubMed 16053901 (cited by Institute for Genomic Medicine (IGM) Clinical Laboratory, Nationwide Children's Hospital); PubMed 11992261 (cited by Institute for Genomic Medicine (IGM) Clinical Laboratory, Nationwide Children's Hospital); PubMed 22465605 (cited by Laboratory for Molecular Medicine, Mass General Brigham Personalized Medicine and Women's Health and Genetics/Laboratory Corporation of America, LabCorp); PubMed 26633542 (cited by Laboratory for Molecular Medicine, Mass General Brigham Personalized Medicine); PubMed 33811550 (cited by Laboratory for Molecular Medicine, Mass General Brigham Personalized Medicine); PubMed 28911804 (cited by Laboratory for Molecular Medicine, Mass General Brigham Personalized Medicine); PubMed 29212898 (cited by Laboratory for Molecular Medicine, Mass General Brigham Personalized Medicine); PubMed 29907801 (cited by Laboratory for Molecular Medicine, Mass General Brigham Personalized Medicine); PubMed 34782754 (cited by Equipe Genetique des Anomalies du Developpement, Université de Bourgogne).